The following is an entry in ClinVar:

ClinVar aggregate classification (germline): Uncertain significance. Review status: criteria provided, multiple submitters, no conflicts (2 of 4 stars). 2 submissions from 2 submitters: Uncertain significance (2). Last evaluated 2022-08-31.

Conditions:
Nephronophthisis 14 (NPHP14). Identifiers: Orphanet 2318, MedGen C3539071, MONDO:0013916, OMIM 614844.

Allele frequency attached by ClinVar (database versions not stated): TOPMed below 0.00001; gnomAD 0.00001.

Submissions (2):

Labcorp Genetics (formerly Invitae), Labcorp
Classification: Uncertain significance for Nephronophthisis 14. Last evaluated: 2022-08-31. Review status: criteria provided, single submitter. Criteria: Invitae Variant Classification Sherloc (09022015). Collection method: clinical testing. Allele origin: germline.
Comment: ClinVar contains an entry for this variant (Variation ID: 1521317). In summary, the available evidence is currently insufficient to determine the role of this variant in disease. Therefore, it has been classified as a Variant of Uncertain Significance. Algorithms developed to predict the effect of missense changes on protein structure and function (SIFT, PolyPhen-2, Align-GVGD) all suggest that this variant is likely to be disruptive. This variant has not been reported in the literature in individuals affected with ZNF423-related conditions. This variant is not present in population databases (gnomAD no frequency). This sequence change replaces histidine, which is basic and polar, with arginine, which is basic and polar, at codon 240 of the ZNF423 protein (p.His240Arg).

Blueprint Genetics
Classification: Uncertain significance. Last evaluated: 2022-02-22. Review status: criteria provided, single submitter. Criteria: ACMG Guidelines, 2015. Collection method: clinical testing. Allele origin: germline.

NM_001379286.1(ZNF423):c.743A>G (p.His248Arg)

Gene: ZNF423 (zinc finger protein 423; minus strand). Cytogenetic location: 16q12.1.
Variant type: single nucleotide variant.
Coding change: c.743A>G on transcript NM_001379286.1 (MANE Select); coding-DNA position 743, A replaced by G.
Protein change: p.His248Arg; replaces histidine 248 with arginine.
Molecular consequence: missense variant.
Genome position (GRCh38, 1-based): chr16:49,638,433, T>C on the plus strand (A>G on the coding strand, the complement: ZNF423 is on the minus strand). VCF-style: chr16-49638433-T-C. GRCh37 (hg19) VCF-style: chr16-49672344-T-C.
Other names: c.539A>G, p.His180Arg (NM_001271620.2); c.368A>G, p.His123Arg (NM_001330533.2); c.719A>G, p.His240Arg (NM_015069.5); short protein forms H180R, H123R, H240R, H248R.
Identifiers: ClinVar variation 1521317 (VCV001521317.9), dbSNP rs757086620, ClinGen allele CA395851639.